The following is an entry in ClinVar:

NM_001184.4(ATR):c.973C>G (p.Leu325Val)

Gene: ATR (ATR checkpoint kinase; minus strand). Cytogenetic location: 3q23.
Variant type: single nucleotide variant.
Coding change: c.973C>G on transcript NM_001184.4 (MANE Select); coding-DNA position 973, C replaced by G.
Protein change: p.Leu325Val; replaces leucine 325 with valine.
Molecular consequence: missense variant.
Genome position (GRCh38, 1-based): chr3:142,562,429, G>C on the plus strand (C>G on the coding strand, the complement: ATR is on the minus strand). VCF-style: chr3-142562429-G-C. GRCh37 (hg19) VCF-style: chr3-142281271-G-C.
Other names: c.973C>G, p.Leu325Val (NM_001354579.2); short protein forms L325V.
Identifiers: ClinVar variation 1768043 (VCV001768043.2), dbSNP rs2473426076, ClinGen allele CA354824243.

ClinVar aggregate classification (germline): Uncertain significance (1 of 4 stars; one submission).

Conditions:
Inborn genetic diseases. Identifiers: MedGen C0950123, MeSH D030342.

Submission:

Ambry Genetics
Classification: Uncertain significance for Inborn genetic diseases. Last evaluated: 2022-04-03. Review status: criteria provided, single submitter. Criteria: Ambry Variant Classification Scheme 2023. Collection method: clinical testing. Allele origin: germline.
Comment: The p.L325V variant (also known as c.973C>G), located in coding exon 4 of the ATR gene, results from a C to G substitution at nucleotide position 973. The leucine at codon 325 is replaced by valine, an amino acid with highly similar properties. This amino acid position is conserved. In addition, the in silico prediction for this alteration is inconclusive. Since supporting evidence is limited at this time, the clinical significance of this alteration remains unclear.